The following is an entry in ClinVar:

ClinVar aggregate classification (germline): Uncertain significance (1 of 4 stars; one submission).

Conditions:
Cohen syndrome (COH1). Also called: Cutis verticis gyrata, retinitis pigmentosa, and sensorineural deafness; PEPPER SYNDROME. Identifiers: Orphanet 193, MedGen C0265223, MONDO:0008999, OMIM 216550.

Submission:

Labcorp Genetics (formerly Invitae), Labcorp
Classification: Uncertain significance for Cohen syndrome. Last evaluated: 2025-01-15. Review status: criteria provided, single submitter. Criteria: Invitae Variant Classification Sherloc (09022015). Collection method: clinical testing. Allele origin: germline.
Comment: This sequence change replaces glutamic acid, which is acidic and polar, with alanine, which is neutral and non-polar, at codon 605 of the VPS13B protein (p.Glu605Ala). This variant is not present in population databases (gnomAD no frequency). This variant has not been reported in the literature in individuals affected with VPS13B-related conditions. ClinVar contains an entry for this variant (Variation ID: 1497173). Invitae Evidence Modeling of protein sequence and biophysical properties (such as structural, functional, and spatial information, amino acid conservation, physicochemical variation, residue mobility, and thermodynamic stability) indicates that this missense variant is expected to disrupt VPS13B protein function with a positive predictive value of 80%. In summary, the available evidence is currently insufficient to determine the role of this variant in disease. Therefore, it has been classified as a Variant of Uncertain Significance.

NM_152564.5(VPS13B):c.1814A>C (p.Glu605Ala)

Gene: VPS13B (vacuolar protein sorting 13 homolog B; plus strand). Cytogenetic location: 8q22.2.
Variant type: single nucleotide variant.
Coding change: c.1814A>C on transcript NM_152564.5 (MANE Select); coding-DNA position 1814, A replaced by C.
Protein change: p.Glu605Ala; replaces glutamic acid 605 with alanine.
Molecular consequence: missense variant.
Genome position (GRCh38, 1-based): chr8:99,143,136, A>C. VCF-style: chr8-99143136-A-C. GRCh37 (hg19) VCF-style: chr8-100155364-A-C.
Other names: c.1814A>C, p.Glu605Ala (NM_015243.3, NM_017890.5); short protein forms E605A.
Identifiers: ClinVar variation 1497173 (VCV001497173.8), dbSNP rs2132581468, ClinGen allele CA371864142.